The following is an entry in ClinVar:

ClinVar aggregate classification (germline): Uncertain significance (1 of 4 stars; one submission).

Conditions:
Cardiovascular phenotype. Identifiers: MedGen CN230736.

gnomAD v4.1: 1 of 1,565,466 alleles (0.000064%); highest among the groups gnomAD compares: Admixed American, 0.0018%; no homozygotes.

Submission:

Ambry Genetics
Classification: Uncertain significance for Cardiovascular phenotype. Last evaluated: 2026-08-10. Review status: criteria provided, single submitter. Criteria: Ambry Variant Classification Scheme 2023. Collection method: clinical testing. Allele origin: germline.
Comment: The p.T429A variant (also known as c.1285A>G), located in coding exon 6 of the EPHB4 gene, results from an A to G substitution at nucleotide position 1285. The threonine at codon 429 is replaced by alanine, an amino acid with similar properties. This amino acid position is conserved. In addition, this alteration is predicted to be deleterious by in silico analysis. Based on the available evidence, the clinical significance of this variant remains unclear.

NM_004444.5(EPHB4):c.1285A>G (p.Thr429Ala)

Gene: EPHB4 (EPH receptor B4; minus strand). Cytogenetic location: 7q22.1.
Variant type: single nucleotide variant.
Coding change: c.1285A>G on transcript NM_004444.5 (MANE Select); coding-DNA position 1285, A replaced by G.
Protein change: p.Thr429Ala; replaces threonine 429 with alanine.
Molecular consequence: missense variant.
Genome position (GRCh38, 1-based): chr7:100,819,569, T>C on the plus strand (A>G on the coding strand, the complement: EPHB4 is on the minus strand). VCF-style: chr7-100819569-T-C. GRCh37 (hg19) VCF-style: chr7-100417191-T-C.
Other names: short protein forms T429A.
Identifiers: ClinVar variation 4870548 (VCV004870548.2).